The following is an entry in ClinVar:

NM_173500.4(TTBK2):c.3002A>T (p.Lys1001Ile)

Gene: TTBK2 (tau tubulin kinase 2; minus strand). Cytogenetic location: 15q15.2.
Variant type: single nucleotide variant.
Coding change: c.3002A>T on transcript NM_173500.4 (MANE Select); coding-DNA position 3002, A replaced by T.
Protein change: p.Lys1001Ile; replaces lysine 1001 with isoleucine.
Molecular consequence: missense variant.
Genome position (GRCh38, 1-based): chr15:42,752,244, T>A on the plus strand (A>T on the coding strand, the complement: TTBK2 is on the minus strand). VCF-style: chr15-42752244-T-A. GRCh37 (hg19) VCF-style: chr15-43044442-T-A.
Other names: short protein forms K1001I.
Identifiers: ClinVar variation 3672803 (VCV003672803.2).

ClinVar aggregate classification (germline): Uncertain significance (1 of 4 stars; one submission).

Submission:

Labcorp Genetics (formerly Invitae), Labcorp
Classification: Uncertain significance. Last evaluated: 2024-12-24. Review status: criteria provided, single submitter. Criteria: Invitae Variant Classification Sherloc (09022015). Collection method: clinical testing. Allele origin: germline.
Comment: This sequence change replaces lysine, which is basic and polar, with isoleucine, which is neutral and non-polar, at codon 1001 of the TTBK2 protein (p.Lys1001Ile). This variant is not present in population databases (gnomAD no frequency). This variant has not been reported in the literature in individuals affected with TTBK2-related conditions. An algorithm developed to predict the effect of missense changes on protein structure and function (PolyPhen-2) suggests that this variant is likely to be disruptive. In summary, the available evidence is currently insufficient to determine the role of this variant in disease. Therefore, it has been classified as a Variant of Uncertain Significance.